The following is an entry in ClinVar:

ClinVar aggregate classification (germline): Uncertain significance (1 of 4 stars; one submission).

Conditions:
SEMA3G-related disorder. Also called: SEMA3G-related condition.

Submission:

PreventionGenetics, part of Exact Sciences
Classification: Uncertain significance for SEMA3G-related condition. Last evaluated: 2025-06-17. Review status: criteria provided, single submitter. Criteria: ACMG Guidelines, 2015. Collection method: clinical testing. Allele origin: germline.
Comment: The SEMA3G c.656G>C variant is predicted to result in the amino acid substitution p.Ser219Thr. To our knowledge, this variant has not been reported in the literature or in a large population database (gnomAD), indicating this variant is rare. At this time, the clinical significance of this variant is uncertain due to the absence of conclusive functional and genetic evidence.

NM_020163.3(SEMA3G):c.656G>C (p.Ser219Thr)

Gene: SEMA3G (semaphorin 3G; minus strand). Cytogenetic location: 3p21.1.
Variant type: single nucleotide variant.
Coding change: c.656G>C on transcript NM_020163.3 (MANE Select); coding-DNA position 656, G replaced by C.
Protein change: p.Ser219Thr; replaces serine 219 with threonine.
Molecular consequence: missense variant.
Genome position (GRCh38, 1-based): chr3:52,441,585, C>G on the plus strand (G>C on the coding strand, the complement: SEMA3G is on the minus strand). VCF-style: chr3-52441585-C-G. GRCh37 (hg19) VCF-style: chr3-52475601-C-G.
Other names: short protein forms S219T.
Identifiers: ClinVar variation 3350504 (VCV003350504.2).